The following is an entry in ClinVar:

NM_024675.4(PALB2):c.1454_1457del (p.Thr485fs)

Gene: PALB2 (partner and localizer of BRCA2; minus strand). Cytogenetic location: 16p12.2.
Variant type: Deletion.
Coding change: c.1454_1457del on transcript NM_024675.4 (MANE Select); coding-DNA positions 1454 to 1457, 4 bases deleted (CTAA; older notation c.1454_1457delCTAA).
Protein change: p.Thr485fs; shifts the reading frame from threonine 485.
Molecular consequence: frameshift variant.
Genome position (GRCh38, 1-based): chr16:23,635,089-23,635,092, TTAG deleted on the plus strand (CTAA on the coding strand, the reverse complement: PALB2 is on the minus strand); deleting any 4 consecutive bases within chr16:23,635,089-23,635,095 gives the same sequence; the c. name uses the placement nearest the transcript's 3' end. VCF-style (leftmost placement, unchanged base first): chr16-23635088-TTTAG-T. GRCh37 (hg19) VCF-style: chr16-23646409-TTTAG-T.
Other names: c.1391_1394delTAAC, p.Thr465Lysfs (NM_001407296.1); c.1451_1454delTAAC, p.Thr485Lysfs (NM_001407297.1, NM_001407298.1, NM_001407299.1 and 3 more transcripts); c.566_569delTAAC, p.Thr190Lysfs (NM_001407304.1, NM_001407305.1, NM_001407306.1 and 5 more transcripts); c.1454_1457delCTAA (NM_024675.3, NM_024675.4); short protein forms T485fs.
Identifiers: ClinVar variation 1773008 (VCV001773008.6), dbSNP rs2506476872, ClinGen allele CA2580091280.
Genomic context (GRCh38, chr16:23,635,088, plus strand): 5'-TTGGGCAACTGCCTTCCTAGACAAGTCATTATCTTCAGTGGGCCCAGCGGGAGAGCTGAC[TTTAG>T]TTAATGAGAGAAGTTTCTGAGAGGTTCTTGAACTTGGTTGTCCTGTGCATGTGCCAGACA-3'

ClinVar aggregate classification (germline): Pathogenic. Review status: criteria provided, multiple submitters, no conflicts (2 of 4 stars). 2 submissions from 2 submitters: Pathogenic (2). Last evaluated 2025-03-04.

Conditions:
Hereditary cancer-predisposing syndrome. Also called: Hereditary Cancer Syndrome; Hereditary neoplastic syndrome; Neoplastic Syndromes, Hereditary; Tumor predisposition. Identifiers: Orphanet 140162, MedGen C0027672, MeSH D009386, MONDO:0015356.

Submissions (2):

Center for Genomic Medicine, Rigshospitalet, Copenhagen University Hospital
Classification: Pathogenic. Last evaluated: 2025-03-04. Review status: criteria provided, single submitter. Criteria: ACMG Guidelines, 2015. Collection method: clinical testing. Allele origin: germline.

Ambry Genetics
Classification: Pathogenic for Hereditary cancer-predisposing syndrome. Last evaluated: 2021-02-08. Review status: criteria provided, single submitter. Criteria: Ambry Variant Classification Scheme 2023. Collection method: clinical testing. Allele origin: germline.
Comment: The c.1454_1457delCTAA pathogenic mutation, located in coding exon 4 of the PALB2 gene, results from a deletion of 4 nucleotides at nucleotide positions 1454 to 1457, causing a translational frameshift with a predicted alternate stop codon (p.T485Kfs*75). This variant was not reported in population-based cohorts in the Genome Aggregation Database (gnomAD). This alteration is expected to result in loss of function by premature protein truncation or nonsense-mediated mRNA decay. As such, this alteration is interpreted as a disease-causing mutation.